The following is an entry in ClinVar:

ClinVar aggregate classification (germline): Benign (1 of 4 stars; one submission).

Conditions:
BAP1-related tumor predisposition syndrome (TPDS1). Also called: COMMON Syndrome; TUMOR PREDISPOSITION SYNDROME 1; BAP1 tumor predisposition syndrome; Tumor susceptibility linked to germline BAP1 mutations. Identifiers: Orphanet 289539, MedGen C3280492, MONDO:0013692, OMIM 614327.

Allele frequency attached by ClinVar (database versions not stated): 1000 Genomes Project 0.01518; gnomAD 0.01674 and 0.01794; 1000 Genomes Project 30x 0.01702; TOPMed 0.01876; gnomAD exomes 0.00339.

Submission:

Illumina Laboratory Services, Illumina
Classification: Benign for BAP1-related tumor predisposition syndrome. Last evaluated: 2018-01-12. Review status: criteria provided, single submitter. Criteria: ICSL Variant Classification Criteria 13 December 2019. Collection method: clinical testing. Allele origin: germline.
Comment: This variant was observed in the ICSL laboratory as part of a predisposition screen in an ostensibly healthy population. It had not been previously curated by ICSL or reported in the Human Gene Mutation Database (HGMD: prior to June 1st, 2018), and was therefore a candidate for classification through an automated scoring system. Utilizing variant allele frequency, disease prevalence and penetrance estimates, and inheritance mode, an automated score was calculated to assess if this variant is too frequent to cause the disease. Based on the score and internal cut-off values, a variant classified as benign is not then subjected to further curation. The score for this variant resulted in a classification of benign for this disease.

NM_004656.4(BAP1):c.*974C>T

Gene: BAP1 (BRCA1 associated deubiquitinase 1; minus strand). Cytogenetic location: 3p21.1.
Variant type: single nucleotide variant.
Coding change: c.*974C>T on transcript NM_004656.4 (MANE Select); 974 bases downstream of the stop codon, C replaced by T.
Molecular consequence: 3 prime UTR variant.
Genome position (GRCh38, 1-based): chr3:52,401,314, G>A on the plus strand (C>T on the coding strand, the complement: BAP1 is on the minus strand). VCF-style: chr3-52401314-G-A. GRCh37 (hg19) VCF-style: chr3-52435330-G-A.
Identifiers: ClinVar variation 346105 (VCV000346105.5), dbSNP rs9855479, ClinGen allele CA10619209.